The following is an entry in ClinVar:

NM_001042545.2(LTBP4):c.3267C>T (p.Pro1089=)

Gene: LTBP4 (latent transforming growth factor beta binding protein 4; plus strand). Cytogenetic location: 19q13.2.
Variant type: single nucleotide variant.
Coding change: c.3267C>T on transcript NM_001042545.2 (MANE Select); coding-DNA position 3267, C replaced by T.
Protein change: p.Pro1089=; no amino-acid change (proline 1089 retained).
Molecular consequence: synonymous variant.
Genome position (GRCh38, 1-based): chr19:40,622,450, C>T. VCF-style: chr19-40622450-C-T. GRCh37 (hg19) VCF-style: chr19-41128355-C-T.
Other names: c.3468C>T, p.Pro1156= (NM_001042544.1); c.3357C>T, p.Pro1119= (NM_003573.2).
Identifiers: ClinVar variation 507071 (VCV000507071.8), dbSNP rs754157157, ClinGen allele CA9448966.

ClinVar aggregate classification (germline): Likely benign. Review status: criteria provided, multiple submitters, no conflicts (2 of 4 stars). 3 submissions from 3 submitters: Likely benign (3). Last evaluated 2026-08-01.

Allele frequency attached by ClinVar (database versions not stated): TOPMed 0.00008; gnomAD exomes 0.00015; gnomAD 0.00005; ExAC 0.00018.
gnomAD v4.1: 63 of 1,596,912 alleles (0.0039%); highest among the groups gnomAD compares: Admixed American, 0.064%; no homozygotes.

Submissions (3):

CeGaT Center for Human Genetics Tuebingen
Classification: Likely benign. Last evaluated: 2026-08-01. Review status: criteria provided, single submitter. Criteria: CeGaT Center For Human Genetics Tuebingen Variant Classification Criteria Version 2. Collection method: clinical testing. Allele origin: germline. Affected: yes. Observed: 1 variant allele.
Comment: LTBP4: BP4, BP7

Labcorp Genetics (formerly Invitae), Labcorp
Classification: Likely benign. Last evaluated: 2025-12-11. Review status: criteria provided, single submitter. Criteria: Invitae Variant Classification Sherloc (09022015). Collection method: clinical testing. Allele origin: germline.

GeneDx
Classification: Likely benign. Last evaluated: 2020-03-20. Review status: criteria provided, single submitter. Criteria: GeneDx Variant Classification Process June 2021. Collection method: clinical testing. Allele origin: germline. Affected: yes.